The following is an entry in ClinVar:

NM_025265.4(TSEN2):c.1248G>T (p.Lys416Asn)

Gene: TSEN2 (tRNA splicing endonuclease subunit 2; plus strand). Cytogenetic location: 3p25.2.
Variant type: single nucleotide variant.
Coding change: c.1248G>T on transcript NM_025265.4 (MANE Select); coding-DNA position 1248, G replaced by T.
Protein change: p.Lys416Asn; replaces lysine 416 with asparagine.
Molecular consequence: missense variant. On other transcripts: non-coding transcript variant (1).
Genome position (GRCh38, 1-based): chr3:12,529,873, G>T. VCF-style: chr3-12529873-G-T. GRCh37 (hg19) VCF-style: chr3-12571372-G-T.
Other names: c.1248G>T, p.Lys416Asn (NM_001145392.2, NM_001321277.2, NM_001321278.2); c.1170G>T, p.Lys390Asn (NM_001145393.3, NM_001321279.2); c.1071G>T, p.Lys357Asn (NM_001145394.2); short protein forms K357N, K390N, K416N.
Identifiers: ClinVar variation 1509178 (VCV001509178.5), dbSNP rs2125246817, ClinGen allele CA351477696.
Genomic context (GRCh38, chr3:12,529,873, plus strand): 5'-CAGGCCTCTCAGTTGGAAGTCCCTGGCTGCCTTGAGCAGAGTTTCCGTTAATGTCTCTAA[G>T]GTAACACAACATCAGCTTTGCCATTGGAGTGTCACTTAAATGGTTCAGTTTTTTTTTTTT-3'
Protein context (NP_079541.1, residues 406-426): ALSRVSVNVS[Lys416Asn]ELMLCYLIKP

ClinVar aggregate classification (germline): Uncertain significance. Review status: criteria provided, multiple submitters, no conflicts (2 of 4 stars). 2 submissions from 2 submitters: Uncertain significance (2). Last evaluated 2024-09-10.

Submissions (2):

Blueprint Genetics
Classification: Uncertain significance. Last evaluated: 2024-09-10. Review status: criteria provided, single submitter. Criteria: ACMG Guidelines, 2015. Collection method: clinical testing. Allele origin: germline.

Labcorp Genetics (formerly Invitae), Labcorp
Classification: Uncertain significance. Last evaluated: 2023-12-11. Review status: criteria provided, single submitter. Criteria: Invitae Variant Classification Sherloc (09022015). Collection method: clinical testing. Allele origin: germline.
Comment: This sequence change replaces lysine, which is basic and polar, with asparagine, which is neutral and polar, at codon 416 of the TSEN2 protein (p.Lys416Asn). This variant also falls at the last nucleotide of exon 10, which is part of the consensus splice site for this exon. This variant is not present in population databases (gnomAD no frequency). This variant has not been reported in the literature in individuals affected with TSEN2-related conditions. ClinVar contains an entry for this variant (Variation ID: 1509178). An algorithm developed to predict the effect of missense changes on protein structure and function (PolyPhen-2) suggests that this variant is likely to be disruptive. Variants that disrupt the consensus splice site are a relatively common cause of aberrant splicing (PMID: 17576681, 9536098). Algorithms developed to predict the effect of sequence changes on RNA splicing suggest that this variant may disrupt the consensus splice site. In summary, the available evidence is currently insufficient to determine the role of this variant in disease. Therefore, it has been classified as a Variant of Uncertain Significance.

Literature cited by the submitters: PubMed 17576681 (cited by Labcorp Genetics (formerly Invitae), Labcorp); PubMed 9536098 (cited by Labcorp Genetics (formerly Invitae), Labcorp).